The following is an entry in ClinVar:

ClinVar aggregate classification (germline): Conflicting classifications of pathogenicity. Review status: criteria provided, conflicting classifications (1 of 4 stars). 2 submissions from 2 submitters: Uncertain significance (1); Likely benign (1). Last evaluated 2026-09-04.

Conditions:
Hereditary cancer-predisposing syndrome. Also called: Neoplastic Syndromes, Hereditary; Hereditary Cancer Syndrome; Tumor predisposition; Hereditary neoplastic syndrome. Identifiers: Orphanet 140162, MedGen C0027672, MeSH D009386, MONDO:0015356.
Cardiovascular phenotype. Identifiers: MedGen CN230736.
Neurofibromatosis, type 1 (NF1). Also called: Peripheral type neurofibromatosis; VON RECKLINGHAUSEN DISEASE; Neurofibromatosis, type I; NEUROFIBROMATOSIS, TYPE I, SOMATIC. Identifiers: Orphanet 636, MedGen C0027831, MONDO:0018975, OMIM 162200. Disease mechanism: loss of function.

Submissions (2):

Ambry Genetics
Classification: Likely benign for Cardiovascular phenotype; Hereditary cancer-predisposing syndrome. Last evaluated: 2026-09-04. Review status: criteria provided, single submitter. Criteria: Ambry Variant Classification Scheme 2023. Collection method: clinical testing. Allele origin: germline.

Labcorp Genetics (formerly Invitae), Labcorp
Classification: Uncertain significance for Neurofibromatosis, type 1. Last evaluated: 2025-11-03. Review status: criteria provided, single submitter. Criteria: Invitae Variant Classification Sherloc (09022015). Collection method: clinical testing. Allele origin: germline.
Comment: This sequence change replaces serine, which is neutral and polar, with threonine, which is neutral and polar, at codon 1570 of the NF1 protein (p.Ser1570Thr). This variant is not present in population databases (gnomAD no frequency). This variant has not been reported in the literature in individuals affected with NF1-related conditions. ClinVar contains an entry for this variant (Variation ID: 942069). Invitae Evidence Modeling of protein sequence and biophysical properties (such as structural, functional, and spatial information, amino acid conservation, physicochemical variation, residue mobility, and thermodynamic stability) indicates that this missense variant is not expected to disrupt NF1 protein function with a negative predictive value of 95%. In summary, the available evidence is currently insufficient to determine the role of this variant in disease. Therefore, it has been classified as a Variant of Uncertain Significance.

NM_001042492.3(NF1):c.4772G>C (p.Ser1591Thr)

Gene: NF1 (neurofibromin 1; plus strand). Cytogenetic location: 17q11.2.
Variant type: single nucleotide variant.
Coding change: c.4772G>C on transcript NM_001042492.3 (MANE Select); coding-DNA position 4772, G replaced by C.
Protein change: p.Ser1591Thr; replaces serine 1591 with threonine.
Molecular consequence: missense variant.
Genome position (GRCh38, 1-based): chr17:31,265,276, G>C. VCF-style: chr17-31265276-G-C. GRCh37 (hg19) VCF-style: chr17-29592294-G-C.
Other names: c.4709G>C, p.Ser1570Thr (NM_000267.4); short protein forms S1570T, S1591T.
Identifiers: ClinVar variation 942069 (VCV000942069.8), dbSNP rs1597753246, ClinGen allele CA399001256.